The following is an entry in ClinVar:

ClinVar aggregate classification (germline): Likely benign. Review status: criteria provided, multiple submitters, no conflicts (2 of 4 stars). 2 submissions from 2 submitters: Likely benign (2). Last evaluated 2026-09-09.

Conditions:
OTOF-related disorder. Also called: OTOF-related condition.

Allele frequency attached by ClinVar (database versions not stated): gnomAD 0.00002; TOPMed 0.00002; gnomAD exomes 0.00004; ExAC 0.00009; 1000 Genomes Project 30x 0.00031.
gnomAD v4.1: 62 of 1,610,182 alleles (0.0039%); highest among the groups gnomAD compares: South Asian, 0.052%; no homozygotes.

Submissions (2):

PreventionGenetics, part of Exact Sciences
Classification: Likely benign for OTOF-related condition. Last evaluated: 2026-09-09. Review status: criteria provided, single submitter. Criteria: ACMG Guidelines, 2015. Collection method: clinical testing. Allele origin: germline.
Comment: This variant is classified as likely benign based on ACMG/AMP sequence variant interpretation guidelines (Richards et al. 2015 PMID: 25741868, with internal and published modifications).

Labcorp Genetics (formerly Invitae), Labcorp
Classification: Likely benign. Last evaluated: 2024-01-12. Review status: criteria provided, single submitter. Criteria: Invitae Variant Classification Sherloc (09022015). Collection method: clinical testing. Allele origin: germline.

NM_194248.3(OTOF):c.2517G>A (p.Ala839=)

Gene: OTOF (otoferlin; minus strand). Cytogenetic location: 2p23.3.
Variant type: single nucleotide variant.
Coding change: c.2517G>A on transcript NM_194248.3 (MANE Select); coding-DNA position 2517, G replaced by A.
Protein change: p.Ala839=; no amino-acid change (alanine 839 retained).
Molecular consequence: synonymous variant.
Genome position (GRCh38, 1-based): chr2:26,477,178, C>T on the plus strand (G>A on the coding strand, the complement: OTOF is on the minus strand). VCF-style: chr2-26477178-C-T. GRCh37 (hg19) VCF-style: chr2-26700046-C-T.
Other names: c.2517G>A (NM_194248.2); c.276G>A, p.Ala92= (NM_004802.4, NM_194323.3); c.447G>A, p.Ala149= (NM_194322.3); c.2517G>A, p.Ala839= (NM_001287489.2).
Identifiers: ClinVar variation 2902861 (VCV002902861.4), dbSNP rs773993511, ClinGen allele CA1563886.
Genomic context (GRCh38, chr2:26,477,178, plus strand): 5'-GGCCCCAGAGAGCCAGCCCTGGATGAGGCAAAGCCCCGACCCCTTGGGCCGCACCTCGTC[C>T]GCCAGGAAGCGCAGCTTCTGCAGGAAGTTCTGGCACAGCCTCAGCTTGTCCCGCACCGTG-3'
Protein context (NP_919224.1, residues 829-849): QNFLQKLRFL[Ala839=]DEPQHSIPDI